The following is an entry in ClinVar:

NM_004999.4(MYO6):c.3270T>C (p.Asn1090=)

Gene: MYO6 (myosin VI; plus strand). Cytogenetic location: 6q14.1.
Variant type: single nucleotide variant.
Coding change: c.3270T>C on transcript NM_004999.4 (MANE Select); coding-DNA position 3270, T replaced by C.
Protein change: p.Asn1090=; no amino-acid change (asparagine 1090 retained).
Molecular consequence: synonymous variant. On other transcripts: non-coding transcript variant (1).
Genome position (GRCh38, 1-based): chr6:75,907,698, T>C. VCF-style: chr6-75907698-T-C. GRCh37 (hg19) VCF-style: chr6-76617415-T-C.
Other names: c.3201T>C, p.Asn1067= (NM_001300899.2, NM_001368136.1); c.3258T>C, p.Asn1086= (NM_001368137.1); c.3186T>C, p.Asn1062= (NM_001368138.1); c.3297T>C, p.Asn1099= (NM_001368865.1, NM_001368866.1).
Identifiers: ClinVar variation 164645 (VCV000164645.4), dbSNP rs139395133, ClinGen allele CA177358.

ClinVar aggregate classification (germline): Likely benign (1 of 4 stars; one submission).

gnomAD v4.1: 14 of 1,608,020 alleles (0.00087%); highest among the groups gnomAD compares: Middle Eastern, 0.017%; no homozygotes.

Submission:

Laboratory for Molecular Medicine, Mass General Brigham Personalized Medicine
Classification: Likely benign. Last evaluated: 2017-08-10. Review status: criteria provided, single submitter. Criteria: LMM Criteria. Collection method: clinical testing. Allele origin: germline. Observed: 3 variant alleles.
Comment: p.Asn1090Asn in Exon 31 of MYO6: This variant is not expected to have clinical s ignificance because it does not alter an amino acid residue and is not located w ithin the splice consensus sequence. It has been identified in 3/33578 Latino an d 3/111660 European chromosomes by the Genome Aggregation Database (gnomAD; dbSNP rs139395133).